The following is an entry in ClinVar:

ClinVar aggregate classification (germline): Uncertain significance. Review status: criteria provided, multiple submitters, no conflicts (2 of 4 stars). 2 submissions from 2 submitters: Uncertain significance (2). Last evaluated 2025-03-23.

Conditions:
Progressive familial heart block type IB (PFHB1B). Identifiers: Orphanet 871, MedGen C1970298, MONDO:0011474, OMIM 604559.
Cardiovascular phenotype. Identifiers: MedGen CN230736.

gnomAD v4.1: 3 of 1,614,010 alleles (0.00019%); highest among the groups gnomAD compares: Non-Finnish European, 0.00025%; no homozygotes.

Submissions (2):

Ambry Genetics
Classification: Uncertain significance for Cardiovascular phenotype. Last evaluated: 2025-03-23. Review status: criteria provided, single submitter. Criteria: Ambry Variant Classification Scheme 2023. Collection method: clinical testing. Allele origin: germline.
Comment: The p.E1169A variant (also known as c.3506A>C), located in coding exon 23 of the TRPM4 gene, results from an A to C substitution at nucleotide position 3506. The glutamic acid at codon 1169 is replaced by alanine, an amino acid with dissimilar properties. This amino acid position is conserved. In addition, this alteration is predicted to be tolerated by in silico analysis. Based on the available evidence, the clinical significance of this variant remains unclear.

Labcorp Genetics (formerly Invitae), Labcorp
Classification: Uncertain significance for Progressive familial heart block type IB. Last evaluated: 2024-11-28. Review status: criteria provided, single submitter. Criteria: Invitae Variant Classification Sherloc (09022015). Collection method: clinical testing. Allele origin: germline.
Comment: This sequence change replaces glutamic acid, which is acidic and polar, with alanine, which is neutral and non-polar, at codon 1169 of the TRPM4 protein (p.Glu1169Ala). This variant is not present in population databases (gnomAD no frequency). This variant has not been reported in the literature in individuals affected with TRPM4-related conditions. An algorithm developed to predict the effect of missense changes on protein structure and function (PolyPhen-2) suggests that this variant is likely to be disruptive. In summary, the available evidence is currently insufficient to determine the role of this variant in disease. Therefore, it has been classified as a Variant of Uncertain Significance.

NM_017636.4(TRPM4):c.3506A>C (p.Glu1169Ala)

Gene: TRPM4 (transient receptor potential cation channel subfamily M member 4; plus strand). Cytogenetic location: 19q13.33.
Variant type: single nucleotide variant.
Coding change: c.3506A>C on transcript NM_017636.4 (MANE Select); coding-DNA position 3506, A replaced by C.
Protein change: p.Glu1169Ala; replaces glutamic acid 1169 with alanine.
Molecular consequence: missense variant.
Genome position (GRCh38, 1-based): chr19:49,211,059, A>C. VCF-style: chr19-49211059-A-C. GRCh37 (hg19) VCF-style: chr19-49714316-A-C.
Other names: c.3071A>C, p.Glu1024Ala (NM_001195227.2); c.3161A>C, p.Glu1054Ala (NM_001321281.2); c.1898A>C, p.Glu633Ala (NM_001321282.2); c.2984A>C, p.Glu995Ala (NM_001321283.2); c.2444A>C, p.Glu815Ala (NM_001321285.2); c.3506A>C (NM_017636.3); short protein forms E1024A, E1054A, E1169A, E633A, E815A, E995A.
Identifiers: ClinVar variation 3606972 (VCV003606972.3).